The following is an entry in ClinVar:

ClinVar aggregate classification (germline): Uncertain significance (1 of 4 stars; one submission).

Allele frequency attached by ClinVar (database versions not stated): TOPMed below 0.00001.

Submission:

Labcorp Genetics (formerly Invitae), Labcorp
Classification: Uncertain significance. Last evaluated: 2023-07-17. Review status: criteria provided, single submitter. Criteria: Invitae Variant Classification Sherloc (09022015). Collection method: clinical testing. Allele origin: germline.
Comment: In summary, the available evidence is currently insufficient to determine the role of this variant in disease. Therefore, it has been classified as a Variant of Uncertain Significance. An algorithm developed to predict the effect of missense changes on protein structure and function (PolyPhen-2) suggests that this variant is likely to be tolerated. ClinVar contains an entry for this variant (Variation ID: 2016268). This variant has not been reported in the literature in individuals affected with ZMPSTE24-related conditions. This variant is not present in population databases (gnomAD no frequency). This sequence change replaces isoleucine, which is neutral and non-polar, with valine, which is neutral and non-polar, at codon 120 of the ZMPSTE24 protein (p.Ile120Val).

NM_005857.5(ZMPSTE24):c.358A>G (p.Ile120Val)

Gene: ZMPSTE24 (zinc metallopeptidase STE24; plus strand). Cytogenetic location: 1p34.2.
Variant type: single nucleotide variant.
Coding change: c.358A>G on transcript NM_005857.5 (MANE Select); coding-DNA position 358, A replaced by G.
Protein change: p.Ile120Val; replaces isoleucine 120 with valine.
Molecular consequence: missense variant.
Genome position (GRCh38, 1-based): chr1:40,268,419, A>G. VCF-style: chr1-40268419-A-G. GRCh37 (hg19) VCF-style: chr1-40734091-A-G.
Other names: short protein forms I120V.
Identifiers: ClinVar variation 2016268 (VCV002016268.4), dbSNP rs1159942447, ClinGen allele CA339866996.
Genomic context (GRCh38, chr1:40,268,419, plus strand): 5'-TTGTTGATTTGTTTGCCAGTAGTTCATAAAAACTGGATTTTTGTTTTTTCTTTTGTTTAG[A>G]TCACTCAGTCCCTGGTGTTTCTGCTGTTGGCTACACTTTTCAGTGCATTGACTGGTTTGC-3'
Protein context (NP_005848.2, residues 110-130): GYAGFGPEYE[Ile120Val]TQSLVFLLLA